The following is an entry in ClinVar:

NM_001308093.3(GATA4):c.1141G>A (p.Val381Met)

Gene: GATA4 (GATA binding protein 4). Cytogenetic location: 8p23.1.
Variant type: single nucleotide variant.
Coding change: c.1141G>A on transcript NM_001308093.3 (MANE Select); coding-DNA position 1141, G replaced by A.
Protein change: p.Val381Met; replaces valine 381 with methionine.
Molecular consequence: missense variant.
Genome position (GRCh38, 1-based): chr8:11,757,075, G>A. VCF-style: chr8-11757075-G-A. GRCh37 (hg19) VCF-style: chr8-11614584-G-A.
Other names: c.520G>A, p.Val174Met (NM_001308094.2, NM_001374273.1); c.394G>A, p.Val132Met (NM_001374274.1); c.1138G>A, p.Val380Met (NM_002052.5); c.1138G>A (NM_002052.4); short protein forms V380M, V174M, V381M, V132M.
Identifiers: ClinVar variation 377180 (VCV000377180.45), dbSNP rs114868912, ClinGen allele CA4630839.
Genomic context (GRCh38, chr8:11,757,075, plus strand): 5'-GAGATGCGTCCCATCAAGACGGAGCCTGGCCTGTCATCTCACTACGGGCACAGCAGCTCC[G>A]TGTCCCAGGTACGCGCCATGGCTGGGGCGCCAGGGCTGTTTGTGGGGAGGCCGACTGCAG-3'
Protein context (NP_001295022.1, residues 371-391): LSSHYGHSSS[Val381Met]SQTFSVSAMS

ClinVar aggregate classification (germline): Benign/Likely benign. Review status: criteria provided, multiple submitters, no conflicts (2 of 4 stars). 9 submissions from 9 submitters: Benign (7); Likely benign (1). 1 of the submissions does not count toward it. Last evaluated 2026-04-01.

Conditions:
Cardiovascular phenotype. Identifiers: MedGen CN230736.
Neonatal insulin-dependent diabetes mellitus. Identifiers: MedGen C3278636, HP:0000857.
GATA4-related disorder. Also called: GATA4-related condition. Identifiers: MedGen CN860321.
Atrioventricular septal defect 4 (AVSD4). Identifiers: MedGen C3280781, MONDO:0013747, OMIM 614430.

Allele frequency attached by ClinVar (database versions not stated): gnomAD exomes 0.00251 and 0.00521; ExAC 0.00630; gnomAD 0.01104 and 0.01121; TOPMed 0.01196; ESP Exome Variant Server 0.01238; 1000 Genomes Project 0.01558; 1000 Genomes Project 30x 0.01749.
gnomAD v4.1: 5,412 of 1,614,034 alleles (0.34%); highest among the groups gnomAD compares: African/African-American, 3.7%; 88 homozygotes.

Submissions (9):

CeGaT Center for Human Genetics Tuebingen
Classification: Benign. Last evaluated: 2026-04-01. Review status: criteria provided, single submitter. Criteria: CeGaT Center For Human Genetics Tuebingen Variant Classification Criteria Version 2. Collection method: clinical testing. Allele origin: germline. Affected: yes. Observed: 2 variant alleles.
Comment: GATA4: BP4, BS1, BS2

Labcorp Genetics (formerly Invitae), Labcorp
Classification: Benign for Atrioventricular septal defect 4. Last evaluated: 2026-02-03. Review status: criteria provided, single submitter. Criteria: Invitae Variant Classification Sherloc (09022015). Collection method: clinical testing. Allele origin: germline.

ARUP Laboratories, Molecular Genetics and Genomics, ARUP Laboratories
Classification: Benign. Last evaluated: 2025-05-15. Review status: criteria provided, single submitter. Criteria: ARUP Molecular Germline Variant Investigation Process 2024. Collection method: clinical testing. Allele origin: germline.

GeneDx
Classification: Benign. Last evaluated: 2019-10-07. Review status: criteria provided, single submitter. Criteria: GeneDx Variant Classification Process June 2021. Collection method: clinical testing. Allele origin: germline. Affected: yes.
Comment: This variant is associated with the following publications: (PMID: 31513339, 28511407, 26997702, 30766556, 31115957, 26490186, 19678963, 28843068, 18055909, 17352393, 28372585, 16604480, 20981092, 21631294, 22995991, 22011241, 28161810, 21276881)

Center for Pediatric Genomic Medicine, Children's Mercy Hospital and Clinics
Classification: Benign. Last evaluated: 2016-09-20. Review status: criteria provided, single submitter. Criteria: ACMG Guidelines, 2015. Collection method: clinical testing. Allele origin: germline.

Ambry Genetics
Classification: Benign for Cardiovascular phenotype. Last evaluated: 2016-06-17. Review status: criteria provided, single submitter. Criteria: Ambry Variant Classification Scheme 2023. Collection method: clinical testing. Allele origin: germline.

Breakthrough Genomics
Classification: Benign. Review status: criteria provided, single submitter. Criteria: ACMG Guidelines, 2015. Collection method: not provided. Allele origin: germline. Inheritance: Autosomal dominant inheritance. Affected: yes.

Clinical Genomics, Uppaluri K&H Personalized Medicine Clinic
Classification: Likely benign for Neonatal insulin-dependent diabetes mellitus. Review status: criteria provided, single submitter. Criteria: K & H Uppaluri Personalized Medicine Clinic Variant Classification & Assertion Criteria_Updated V.1. Collection method: research. Allele origin: unknown.
Comment: Potent mutations in GATA4 gene are associated with neonatal diabetes, decreased insulin production due to pancreatic aplasia or hypoplasia. Also associated with isolated cardiac abnormalities in children, like atrial septal defects. However no sufficient evidence is found to ascertain the role of this particular variant rs114868912 yet.

PreventionGenetics, part of Exact Sciences
Classification: Benign for GATA4-related condition. Last evaluated: 2019-08-13. Review status: no assertion criteria provided. Collection method: clinical testing. Allele origin: germline. Not counted in ClinVar's aggregate classification.
Comment: This variant is classified as benign based on ACMG/AMP sequence variant interpretation guidelines (Richards et al. 2015 PMID: 25741868, with internal and published modifications).

Literature cited by the submitters: PubMed 20854389 (cited by Clinical Genomics, Uppaluri K&H Personalized Medicine Clinic); PubMed 24696446 (cited by Clinical Genomics, Uppaluri K&H Personalized Medicine Clinic); PubMed 33865372 (cited by Clinical Genomics, Uppaluri K&H Personalized Medicine Clinic); PubMed 27810688 (cited by Clinical Genomics, Uppaluri K&H Personalized Medicine Clinic).